The following is an entry in ClinVar:

ClinVar aggregate classification (germline): Uncertain significance (1 of 4 stars; one submission).

Submission:

Women's Health and Genetics/Laboratory Corporation of America, LabCorp
Classification: Uncertain significance. Last evaluated: 2025-10-30. Review status: criteria provided, single submitter. Criteria: LabCorp Variant Classification Summary - May 2015. Collection method: clinical testing. Allele origin: germline.
Comment: Variant summary: MYRF c.911C>A (p.Ser304Tyr) results in a non-conservative amino acid change located in the NDT80 DNA-binding domain (IPR024061) of the encoded protein sequence. Algorithms developed to predict the effect of missense changes on protein structure and function are either unavailable or do not agree on the potential impact of this missense change. The variant was absent in 251152 control chromosomes. The available data on variant occurrences in the general population are insufficient to allow any conclusion about variant significance. To our knowledge, no occurrence of c.911C>A in individuals affected with MYRF-related conditions and no experimental evidence demonstrating its impact on protein function have been reported. ClinVar contains an entry for this variant (Variation ID: 3068937). Based on the evidence outlined above, the variant was classified as uncertain significance.

NM_001127392.3(MYRF):c.911C>A (p.Ser304Tyr)

Gene: MYRF (myelin regulatory factor; plus strand). Cytogenetic location: 11q12.2.
Variant type: single nucleotide variant.
Coding change: c.911C>A on transcript NM_001127392.3 (MANE Select); coding-DNA position 911, C replaced by A.
Protein change: p.Ser304Tyr; replaces serine 304 with tyrosine.
Molecular consequence: missense variant.
Genome position (GRCh38, 1-based): chr11:61,771,670, C>A. VCF-style: chr11-61771670-C-A. GRCh37 (hg19) VCF-style: chr11-61539142-C-A.
Other names: c.884C>A, p.Ser295Tyr (NM_013279.4); short protein forms S295Y, S304Y.
Identifiers: ClinVar variation 3068937 (VCV003068937.3), dbSNP rs2540908348, ClinGen allele CA380849142.